The following is an entry in ClinVar:

NM_003001.5(SDHC):c.405G>C (p.Leu135Phe)

Gene: SDHC (succinate dehydrogenase complex subunit C; plus strand). Cytogenetic location: 1q23.3.
Variant type: single nucleotide variant.
Coding change: c.405G>C on transcript NM_003001.5 (MANE Select); coding-DNA position 405, G replaced by C.
Protein change: p.Leu135Phe; replaces leucine 135 with phenylalanine.
Molecular consequence: missense variant. On other transcripts: non-coding transcript variant (1), intron variant (3).
Genome position (GRCh38, 1-based): chr1:161,356,840, G>C. VCF-style: chr1-161356840-G-C. GRCh37 (hg19) VCF-style: chr1-161326630-G-C.
Other names: c.303G>C, p.Leu101Phe (NM_001035512.3); c.246G>C, p.Leu82Phe (NM_001035513.3); c.525G>C, p.Leu175Phe (NM_001407115.1); c.348G>C, p.Leu116Phe (NM_001407116.1); c.342G>C, p.Leu114Phe (NM_001407117.1); c.297G>C, p.Leu99Phe (NM_001407118.1); c.294G>C, p.Leu98Phe (NM_001407119.1, NM_001407120.1); c.242-5489G>C (NM_001035511.3); and 2 more; short protein forms L101F, L114F, L116F, L135F, L175F, L82F, L98F, L99F.
Identifiers: ClinVar variation 3223031 (VCV003223031.4), dbSNP rs757663926, ClinGen allele CA047023.

ClinVar aggregate classification (germline): Uncertain significance. Review status: criteria provided, multiple submitters, no conflicts (2 of 4 stars). 2 submissions from 2 submitters: Uncertain significance (2). Last evaluated 2024-05-09.

Conditions:
Hereditary cancer-predisposing syndrome. Also called: Neoplastic Syndromes, Hereditary; Tumor predisposition; Hereditary Cancer Syndrome; Hereditary neoplastic syndrome. Identifiers: Orphanet 140162, MedGen C0027672, MeSH D009386, MONDO:0015356.
Pheochromocytoma/paraganglioma syndrome 3. Also called: GLOMUS TUMORS, FAMILIAL, 3; Paragangliomas 3; SDHC-Related Hereditary Paraganglioma-Pheochromocytoma Syndrome (Paragangliomas 3); SDHC-Related Hereditary Paraganglioma-Pheochromocytoma Syndrome. Identifiers: Orphanet 29072, MedGen C1854336, MONDO:0011544, OMIM 605373.
Gastrointestinal stromal tumor. Also called: Gastrointestinal stromal tumor, somatic; Gastrointestinal stroma tumor. Identifiers: Orphanet 44890, MedGen C0238198, MeSH D046152, MONDO:0011719, OMIM 606764, HP:0100723.

Allele frequency attached by ClinVar (database versions not stated): ExAC 0.00001; gnomAD exomes 0.00001.

Submissions (2):

Labcorp Genetics (formerly Invitae), Labcorp
Classification: Uncertain significance for Pheochromocytoma/paraganglioma syndrome 3; Gastrointestinal stromal tumor. Last evaluated: 2024-05-09. Review status: criteria provided, single submitter. Criteria: Invitae Variant Classification Sherloc (09022015). Collection method: clinical testing. Allele origin: germline.
Comment: This sequence change replaces leucine, which is neutral and non-polar, with phenylalanine, which is neutral and non-polar, at codon 135 of the SDHC protein (p.Leu135Phe). This variant also falls at the last nucleotide of exon 5, which is part of the consensus splice site for this exon. This variant is present in population databases (rs757663926, gnomAD 0.0009%). This variant has not been reported in the literature in individuals affected with SDHC-related conditions. An algorithm developed to predict the effect of missense changes on protein structure and function (PolyPhen-2) suggests that this variant is likely to be disruptive. Variants that disrupt the consensus splice site are a relatively common cause of aberrant splicing (PMID: 17576681, 9536098). Studies have shown that this missense change is associated with inconclusive levels of altered splicing (Invitae). In summary, the available evidence is currently insufficient to determine the role of this variant in disease. Therefore, it has been classified as a Variant of Uncertain Significance.

Ambry Genetics
Classification: Uncertain significance for Hereditary cancer-predisposing syndrome. Last evaluated: 2024-04-25. Review status: criteria provided, single submitter. Criteria: Ambry Variant Classification Scheme 2023. Collection method: clinical testing. Allele origin: germline.
Comment: The p.L135F variant (also known as c.405G>C), located in coding exon 5 of the SDHC gene, results from a G to C substitution at nucleotide position 405. The amino acid change results in leucine to phenylalanine at codon 135, an amino acid with highly similar properties. However, this change occurs in the last base pair of coding exon 5, which makes it likely to have some effect on normal mRNA splicing. This nucleotide position is highly conserved in available vertebrate species. This amino acid position is highly conserved in available vertebrate species. In silico splice site analysis predicts that this alteration may weaken the native splice donor site; however, direct evidence is insufficient at this time (Ambry internal data). In addition, as a missense substitution this is predicted to be deleterious by in silico analysis. Since supporting evidence is limited at this time, the clinical significance of this alteration remains unclear.

Literature cited by the submitters: PubMed 17576681 (cited by Labcorp Genetics (formerly Invitae), Labcorp); PubMed 9536098 (cited by Labcorp Genetics (formerly Invitae), Labcorp).